The following is an entry in ClinVar:

ClinVar aggregate classification (germline): Likely benign. Review status: criteria provided, multiple submitters, no conflicts (2 of 4 stars). 3 submissions from 3 submitters: Likely benign (3). Last evaluated 2023-10-30.

Allele frequency attached by ClinVar (database versions not stated): gnomAD 0.00001; gnomAD exomes 0.00001 and 0.00002; TOPMed 0.00001; ExAC 0.00002.
gnomAD v4.1: 5 of 1,614,178 alleles (0.00031%); highest among the groups gnomAD compares: Admixed American, 0.0083%; no homozygotes.

Submissions (3):

Labcorp Genetics (formerly Invitae), Labcorp
Classification: Likely benign. Last evaluated: 2023-10-30. Review status: criteria provided, single submitter. Criteria: Invitae Variant Classification Sherloc (09022015). Collection method: clinical testing. Allele origin: germline.

Blueprint Genetics
Classification: Likely benign. Last evaluated: 2021-02-04. Review status: criteria provided, single submitter. Criteria: ACMG Guidelines, 2015. Collection method: clinical testing. Allele origin: germline.

GeneDx
Classification: Likely benign. Last evaluated: 2017-06-05. Review status: criteria provided, single submitter. Criteria: GeneDx Variant Classification (06012015). Collection method: clinical testing. Allele origin: germline. Affected: yes.
Comment: This variant is considered likely benign or benign based on one or more of the following criteria: it is a conservative change, it occurs at a poorly conserved position in the protein, it is predicted to be benign by multiple in silico algorithms, and/or has population frequency not consistent with disease.

NM_003383.5(VLDLR):c.672G>A (p.Glu224=)

Gene: VLDLR (very low density lipoprotein receptor; plus strand). Cytogenetic location: 9p24.2.
Variant type: single nucleotide variant.
Coding change: c.672G>A on transcript NM_003383.5 (MANE Select); coding-DNA position 672, G replaced by A.
Protein change: p.Glu224=; no amino-acid change (glutamic acid 224 retained).
Molecular consequence: synonymous variant.
Genome position (GRCh38, 1-based): chr9:2,643,383, G>A. VCF-style: chr9-2643383-G-A. GRCh37 (hg19) VCF-style: chr9-2643383-G-A.
Other names: c.672G>A, p.Glu224= (NM_001018056.3); c.549G>A, p.Glu183= (NM_001322225.2, NM_001322226.2).
Identifiers: ClinVar variation 509896 (VCV000509896.5), dbSNP rs762512932, ClinGen allele CA4964596.